The following is an entry in ClinVar:

ClinVar aggregate classification (germline): Uncertain significance. Review status: criteria provided, multiple submitters, no conflicts (2 of 4 stars). 2 submissions from 2 submitters: Uncertain significance (2). Last evaluated 2024-04-20.

Conditions:
Inborn genetic diseases. Identifiers: MedGen C0950123, MeSH D030342.
Torsion dystonia 6 (DYT6). Also called: DYT-THAP1. Identifiers: Orphanet 98806, MedGen C1414216, MONDO:0011264, OMIM 602629.

Allele frequency attached by ClinVar (database versions not stated): gnomAD exomes below 0.00001; gnomAD 0.00001; TOPMed 0.00001.
gnomAD v4.1: 4 of 1,613,938 alleles (0.00025%); highest among the groups gnomAD compares: Admixed American, 0.0033%; no homozygotes.

Submissions (2):

Ambry Genetics
Classification: Uncertain significance for Inborn genetic diseases. Last evaluated: 2024-04-20. Review status: criteria provided, single submitter. Criteria: Ambry Variant Classification Scheme 2023. Collection method: clinical testing. Allele origin: germline.

Labcorp Genetics (formerly Invitae), Labcorp
Classification: Uncertain significance for Torsion dystonia 6. Last evaluated: 2023-05-23. Review status: criteria provided, single submitter. Criteria: Invitae Variant Classification Sherloc (09022015). Collection method: clinical testing. Allele origin: germline.
Comment: This variant is present in population databases (no rsID available, gnomAD 0.003%). This variant has not been reported in the literature in individuals affected with THAP1-related conditions. An algorithm developed to predict the effect of missense changes on protein structure and function (PolyPhen-2) suggests that this variant is likely to be disruptive. In summary, the available evidence is currently insufficient to determine the role of this variant in disease. Therefore, it has been classified as a Variant of Uncertain Significance. This sequence change replaces threonine, which is neutral and polar, with proline, which is neutral and non-polar, at codon 125 of the THAP1 protein (p.Thr125Pro).

NM_018105.3(THAP1):c.373A>C (p.Thr125Pro)

Gene: THAP1 (THAP domain containing 1; minus strand). Cytogenetic location: 8p11.21.
Variant type: single nucleotide variant.
Coding change: c.373A>C on transcript NM_018105.3 (MANE Select); coding-DNA position 373, A replaced by C.
Protein change: p.Thr125Pro; replaces threonine 125 with proline.
Molecular consequence: missense variant. On other transcripts: 3 prime UTR variant (1).
Genome position (GRCh38, 1-based): chr8:42,838,231, T>G on the plus strand (A>C on the coding strand, the complement: THAP1 is on the minus strand). VCF-style: chr8-42838231-T-G. GRCh37 (hg19) VCF-style: chr8-42693374-T-G.
Other names: c.373A>C (NM_018105.2); c.*15A>C (NM_199003.2); short protein forms T125P.
Identifiers: ClinVar variation 2729047 (VCV002729047.4), dbSNP rs984446861, ClinGen allele CA176034206.